The following is an entry in ClinVar:

ClinVar aggregate classification (germline): Conflicting classifications of pathogenicity. Review status: criteria provided, conflicting classifications (1 of 4 stars). 2 submissions from 2 submitters: Uncertain significance (1); Likely benign (1). Last evaluated 2022-06-21.

Conditions:
Inborn genetic diseases. Identifiers: MedGen C0950123, MeSH D030342.

Allele frequency attached by ClinVar (database versions not stated): gnomAD 0.00001 and 0.00002; TOPMed 0.00002; ExAC 0.00003; gnomAD exomes 0.00005; ESP Exome Variant Server 0.00008.
gnomAD v4.1: 29 of 1,613,848 alleles (0.0018%); highest among the groups gnomAD compares: East Asian, 0.025%; no homozygotes.

Submissions (2):

Ambry Genetics
Classification: Likely benign for Inborn genetic diseases. Last evaluated: 2022-06-21. Review status: criteria provided, single submitter. Criteria: Ambry Variant Classification Scheme 2023. Collection method: clinical testing. Allele origin: germline.

Labcorp Genetics (formerly Invitae), Labcorp
Classification: Uncertain significance. Last evaluated: 2020-12-27. Review status: criteria provided, single submitter. Criteria: Invitae Variant Classification Sherloc (09022015). Collection method: clinical testing. Allele origin: germline.
Comment: This variant has not been reported in the literature in individuals with MYO5B-related conditions. In summary, the available evidence is currently insufficient to determine the role of this variant in disease. Therefore, it has been classified as a Variant of Uncertain Significance. Algorithms developed to predict the effect of missense changes on protein structure and function output the following: SIFT: "Tolerated"; PolyPhen-2: "Benign"; Align-GVGD: "Class C0". The isoleucine amino acid residue is found in multiple mammalian species, suggesting that this missense change does not adversely affect protein function. These predictions have not been confirmed by published functional studies and their clinical significance is uncertain. This variant is present in population databases (rs375739710, ExAC 0.01%). This sequence change replaces valine with isoleucine at codon 551 of the MYO5B protein (p.Val551Ile). The valine residue is weakly conserved and there is a small physicochemical difference between valine and isoleucine.

NM_001080467.3(MYO5B):c.1651G>A (p.Val551Ile)

Gene: MYO5B (myosin VB; minus strand). Cytogenetic location: 18q21.1.
Variant type: single nucleotide variant.
Coding change: c.1651G>A on transcript NM_001080467.3 (MANE Select); coding-DNA position 1651, G replaced by A.
Protein change: p.Val551Ile; replaces valine 551 with isoleucine.
Molecular consequence: missense variant.
Genome position (GRCh38, 1-based): chr18:49,954,330, C>T on the plus strand (G>A on the coding strand, the complement: MYO5B is on the minus strand). VCF-style: chr18-49954330-C-T. GRCh37 (hg19) VCF-style: chr18-47480700-C-T.
Other names: c.1651G>A (NM_001080467.2); short protein forms V551I.
Identifiers: ClinVar variation 1360674 (VCV001360674.8), dbSNP rs375739710, ClinGen allele CA8961447.